The following is an entry in ClinVar:

ClinVar aggregate classification (germline): Pathogenic (1 of 4 stars; one submission).

Conditions:
Tooth agenesis, selective, 4 (STHAG4). Also called: LATERAL INCISORS, ABSENCE OF; LATERAL INCISORS, PEGGED OR MISSING; TOOTH AGENESIS, SELECTIVE, 4, WITH OR WITHOUT ECTODERMAL DYSPLASIA; SUCCEDANEOUS TEETH, AGENESIS OF. Identifiers: Orphanet 99798, MedGen C1835492, MONDO:0007881, OMIM 150400. Disease mechanism: loss of function.
Odonto-onycho-dermal dysplasia. Identifiers: Orphanet 2721, MedGen C0796093, MONDO:0009773, OMIM 257980.

Submission:

Labcorp Genetics (formerly Invitae), Labcorp
Classification: Pathogenic for Tooth agenesis, selective, 4; Odonto-onycho-dermal dysplasia. Last evaluated: 2022-03-29. Review status: criteria provided, single submitter. Criteria: Invitae Variant Classification Sherloc (09022015). Collection method: clinical testing. Allele origin: germline.
Comment: For these reasons, this variant has been classified as Pathogenic. This variant has not been reported in the literature in individuals affected with WNT10A-related conditions. This variant is a gross deletion of the genomic region encompassing exon(s) 1-2 of the WNT10A gene, which includes the initiator codon. This deletion extends beyond the assayed region for this gene and therefore may encompass additional genes. It is expected to result in an absent or disrupted protein product. Loss-of-function variants in WNT10A are known to be pathogenic (PMID: 17847007, 22581971, 25629078).

Literature cited by the submitters: PubMed 17847007; PubMed 22581971; PubMed 25629078.

NC_000002.11:g.(?_219745708)_(219747155_?)del

Gene: WNT10A (Wnt family member 10A; plus strand). Cytogenetic location: 2q35.
Variant type: Deletion.
Identifiers: ClinVar variation 2426931 (VCV002426931.5).